The following is an entry in ClinVar:

NM_139321.3(ATRN):c.290A>G (p.Glu97Gly)

Genes: ATRN (attractin; plus strand), LOC130065331 (ATAC-STARR-seq lymphoblastoid silent region 12621; plus strand). Cytogenetic location: 20p13.
Variant type: single nucleotide variant.
Coding change: c.290A>G on transcript NM_139321.3 (MANE Select); coding-DNA position 290, A replaced by G.
Protein change: p.Glu97Gly; replaces glutamic acid 97 with glycine.
Molecular consequence: missense variant. On other transcripts: intron variant (1).
Genome position (GRCh38, 1-based): chr20:3,471,397, A>G. VCF-style: chr20-3471397-A-G. GRCh37 (hg19) VCF-style: chr20-3452044-A-G.
Other names: c.290A>G, p.Glu97Gly (NM_001323332.2, NM_139322.4); c.62+263A>G (NM_001207047.3); short protein forms E97G.
Identifiers: ClinVar variation 1959615 (VCV001959615.5), dbSNP rs2084419897, ClinGen allele CA408252004.

ClinVar aggregate classification (germline): Uncertain significance (1 of 4 stars; one submission).

Allele frequency attached by ClinVar (database versions not stated): gnomAD 0.00001.

Submission:

Labcorp Genetics (formerly Invitae), Labcorp
Classification: Uncertain significance. Last evaluated: 2022-08-31. Review status: criteria provided, single submitter. Criteria: Invitae Variant Classification Sherloc (09022015). Collection method: clinical testing. Allele origin: germline.
Comment: This variant is not present in population databases (gnomAD no frequency). In summary, the available evidence is currently insufficient to determine the role of this variant in disease. Therefore, it has been classified as a Variant of Uncertain Significance. Algorithms developed to predict the effect of missense changes on protein structure and function are either unavailable or do not agree on the potential impact of this missense change (SIFT: "Tolerated"; PolyPhen-2: "Not Available"; Align-GVGD: "Class C0"). This variant has not been reported in the literature in individuals affected with ATRN-related conditions. This sequence change replaces glutamic acid, which is acidic and polar, with glycine, which is neutral and non-polar, at codon 97 of the ATRN protein (p.Glu97Gly).